The following is an entry in ClinVar:

NM_000782.5(CYP24A1):c.1124C>T (p.Pro375Leu)

Gene: CYP24A1 (cytochrome P450 family 24 subfamily A member 1; minus strand). Cytogenetic location: 20q13.2.
Variant type: single nucleotide variant.
Coding change: c.1124C>T on transcript NM_000782.5 (MANE Select); coding-DNA position 1124, C replaced by T.
Protein change: p.Pro375Leu; replaces proline 375 with leucine.
Molecular consequence: missense variant.
Genome position (GRCh38, 1-based): chr20:54,158,990, G>A on the plus strand (C>T on the coding strand, the complement: CYP24A1 is on the minus strand). VCF-style: chr20-54158990-G-A. GRCh37 (hg19) VCF-style: chr20-52775529-G-A.
Other names: c.1124C>T, p.Pro375Leu (NM_001128915.2); short protein forms P375L.
Identifiers: ClinVar variation 338816 (VCV000338816.7), dbSNP rs189801930, ClinGen allele CA9915898.
Genomic context (GRCh38, chr20:54,158,990, plus strand): 5'-TATATTGGCTCAGAGATAGGCTCTTACCTCATAGATTCTTTCAGACAGGCTTTTAAATAC[G>A]GCATATTCCTCAAATCTTCTGCCCGTGGCACCTGATTCTCAGGTAATACACTTTGAATTT-3'
Protein context (NP_000773.2, residues 365-385): VPRAEDLRNM[Pro375Leu]YLKACLKESM

ClinVar aggregate classification (germline): Uncertain significance. Review status: criteria provided, multiple submitters, no conflicts (2 of 4 stars). 2 submissions from 2 submitters: Uncertain significance (2). Last evaluated 2024-10-06.

Conditions:
Hypercalcemia, infantile, 1 (HCINF1). Identifiers: Orphanet 300547, MedGen CN031131, MONDO:0020739, OMIM 143880.

Allele frequency attached by ClinVar (database versions not stated): ExAC 0.00006; TOPMed 0.00004; gnomAD exomes 0.00004 and 0.00007; 1000 Genomes Project 30x 0.00031; gnomAD 0.00001 and 0.00002; ESP Exome Variant Server 0.00008; 1000 Genomes Project 0.00020.
gnomAD v4.1: 105 of 1,614,080 alleles (0.0065%); highest among the groups gnomAD compares: Non-Finnish European, 0.0084%; no homozygotes.

Submissions (2):

Labcorp Genetics (formerly Invitae), Labcorp
Classification: Uncertain significance. Last evaluated: 2024-10-06. Review status: criteria provided, single submitter. Criteria: Invitae Variant Classification Sherloc (09022015). Collection method: clinical testing. Allele origin: germline.
Comment: This sequence change replaces proline, which is neutral and non-polar, with leucine, which is neutral and non-polar, at codon 375 of the CYP24A1 protein (p.Pro375Leu). This variant is present in population databases (rs189801930, gnomAD 0.006%). This variant has not been reported in the literature in individuals affected with CYP24A1-related conditions. ClinVar contains an entry for this variant (Variation ID: 338816). Invitae Evidence Modeling of protein sequence and biophysical properties (such as structural, functional, and spatial information, amino acid conservation, physicochemical variation, residue mobility, and thermodynamic stability) has been performed for this missense variant. However, the output from this modeling did not meet the statistical confidence thresholds required to predict the impact of this variant on CYP24A1 protein function. In summary, the available evidence is currently insufficient to determine the role of this variant in disease. Therefore, it has been classified as a Variant of Uncertain Significance.

Illumina Laboratory Services, Illumina
Classification: Uncertain significance for Hypercalcemia, infantile, 1. Last evaluated: 2018-01-13. Review status: criteria provided, single submitter. Criteria: ICSL Variant Classification Criteria 13 December 2019. Collection method: clinical testing. Allele origin: germline.